The following is an entry in ClinVar:

ClinVar aggregate classification (germline): Uncertain significance (1 of 4 stars; one submission).

Conditions:
Leigh syndrome (NULS). Also called: Leigh's necrotizing encephalopathy; Leigh's disease; Leigh Syndrome (mtDNA deletion); Leigh Disease; Subacute necrotizing encephalopathy; Necrotizing encephalopathy infantile subacute of Leigh. Identifiers: Orphanet 506, MedGen C2931891, MONDO:0009723, OMIM 256000.

Submission:

Wong Mito Lab, Molecular and Human Genetics, Baylor College of Medicine
Classification: Uncertain significance for Leigh syndrome. Last evaluated: 2019-10-17. Review status: criteria provided, single submitter. Criteria: Modified ACMG Guidelines (Unpublished). Collection method: clinical testing. Allele origin: germline.
Comment: The NC_012920.1:m.3320A>G (YP_003024026.1:p.Asn5Ser) variant in MTND1 gene is interpretated to be a Uncertain Significance variant based on the modified ACMG guidelines (unpublished). This variant meets the following evidence codes: BS2, PP7

NC_012920.1(MT-ND1):m.3320A>G

Gene: MT-ND1 (mitochondrially encoded NADH dehydrogenase 1; plus strand).
Variant type: single nucleotide variant.
Genome position: chrM-3320-A-G.
Identifiers: ClinVar variation 692334 (VCV000692334.1), dbSNP rs1603218896, ClinGen allele CA414772535.
Genomic context (GRCh38, chrMT:3,320, plus strand): 5'-AAACTTAAAACTTTACAGTCAGAGGTTCAATTCCTCTTCTTAACAACATACCCATGGCCA[A>G]CCTCCTACTCCTCATTGTACCCATTCTAATCGCAATGGCATTCCTAATGCTTACCGAACG-3'